The following is an entry in ClinVar:

ClinVar aggregate classification (germline): Uncertain significance (1 of 4 stars; one submission).

Conditions:
Epidermolysis bullosa simplex with nail dystrophy (EBS5D). Identifiers: MedGen C4225309, MONDO:0014661, OMIM 616487.
Epidermolysis bullosa simplex, Ogna type (EBS5A). Also called: Pidermolysis bullosa simplex 5A, Ogna type; EPIDERMOLYSIS BULLOSA SIMPLEX 5A, OGNA TYPE. Identifiers: Orphanet 79401, MedGen C0432317, MONDO:0007555, OMIM 131950.
Autosomal recessive limb-girdle muscular dystrophy type 2Q (LGMDR17). Also called: MUSCULAR DYSTROPHY, LIMB-GIRDLE, AUTOSOMAL RECESSIVE 17. Identifiers: Orphanet 254361, MedGen C3150989, MONDO:0013390, OMIM 613723.
Epidermolysis bullosa simplex 5B, with muscular dystrophy (EBS5B). Also called: EPIDERMOLYSIS BULLOSA SIMPLEX AND LIMB-GIRDLE MUSCULAR DYSTROPHY; Epidermolysis bullosa simplex with muscular dystrophy. Identifiers: Orphanet 257, MedGen C2931072, MONDO:0009181, OMIM 226670.
Epidermolysis bullosa simplex 5C, with pyloric atresia (EBS5C). Also called: PLEC-Related Epidermolysis Bullosa with Pyloric Atresia; Epidermolysis bullosa simplex with pyloric atresia; PLEC1-Related Epidermolysis Bullosa with Pyloric Atresia. Identifiers: Orphanet 158684, MedGen C2677349, MONDO:0012807, OMIM 612138.

Allele frequency attached by ClinVar (database versions not stated): gnomAD 0.00003; gnomAD exomes 0.00003; TOPMed 0.00003; ExAC 0.00005; 1000 Genomes Project 0.00040; 1000 Genomes Project 30x 0.00062.
gnomAD v4.1: 46 of 1,598,962 alleles (0.0029%); highest among the groups gnomAD compares: East Asian, 0.047%; no homozygotes.

Submission:

Labcorp Genetics (formerly Invitae), Labcorp
Classification: Uncertain significance for Autosomal recessive limb-girdle muscular dystrophy type 2Q; Epidermolysis bullosa simplex, Ogna type; Epidermolysis bullosa simplex with nail dystrophy; Epidermolysis bullosa simplex 5C, with pyloric atresia; Epidermolysis bullosa simplex 5B, with muscular dystrophy. Last evaluated: 2025-04-11. Review status: criteria provided, single submitter. Criteria: Invitae Variant Classification Sherloc (09022015). Collection method: clinical testing. Allele origin: germline.
Comment: This sequence change replaces arginine, which is basic and polar, with glutamine, which is neutral and polar, at codon 1948 of the PLEC protein (p.Arg1948Gln). This variant is present in population databases (rs557915279, gnomAD 0.02%). This variant has not been reported in the literature in individuals affected with PLEC-related conditions. ClinVar contains an entry for this variant (Variation ID: 2948506). Experimental studies and prediction algorithms are not available or were not evaluated, and the functional significance of this variant is currently unknown. In summary, the available evidence is currently insufficient to determine the role of this variant in disease. Therefore, it has been classified as a Variant of Uncertain Significance.

NM_201384.3(PLEC):c.5762G>A (p.Arg1921Gln)

Gene: PLEC (plectin; minus strand). Cytogenetic location: 8q24.3.
Variant type: single nucleotide variant.
Coding change: c.5762G>A on transcript NM_201384.3 (MANE Select); coding-DNA position 5762, G replaced by A.
Protein change: p.Arg1921Gln; replaces arginine 1921 with glutamine.
Molecular consequence: missense variant. On other transcripts: intron variant (1).
Genome position (GRCh38, 1-based): chr8:143,924,167, C>T on the plus strand (G>A on the coding strand, the complement: PLEC is on the minus strand). VCF-style: chr8-143924167-C-T. GRCh37 (hg19) VCF-style: chr8-144998335-C-T.
Other names: c.5843G>A, p.Arg1948Gln (NM_000445.5); c.5720G>A, p.Arg1907Gln (NM_201378.4); c.5696G>A, p.Arg1899Gln (NM_201379.3); c.6173G>A, p.Arg2058Gln (NM_201380.4); c.5666G>A, p.Arg1889Gln (NM_201381.3); c.5762G>A, p.Arg1921Gln (NM_201382.4); c.5774G>A, p.Arg1925Gln (NM_201383.3); c.4126-1772G>A (NM_001410941.1); short protein forms R1907Q, R1921Q, R2058Q, R1899Q, R1948Q, R1889Q, R1925Q.
Identifiers: ClinVar variation 2948506 (VCV002948506.3), dbSNP rs557915279, ClinGen allele CA4926248.